The following is an entry in ClinVar:

NM_006204.4(PDE6C):c.2429_2431del (p.Val810del)

Gene: PDE6C (phosphodiesterase 6C; plus strand). Cytogenetic location: 10q23.33.
Variant type: Deletion.
Coding change: c.2429_2431del on transcript NM_006204.4 (MANE Select); coding-DNA positions 2429 to 2431, 3 bases deleted (TAG; older notation c.2429_2431delTAG).
Protein change: p.Val810del; deletes valine 810.
Genome position (GRCh38, 1-based): chr10:93,663,089-93,663,091, TAG deleted; deleting any 3 consecutive bases within chr10:93,663,087-93,663,091 gives the same sequence; the c. name uses the placement nearest the transcript's 3' end. VCF-style (leftmost placement, unchanged base first): chr10-93663086-GAGT-G. GRCh37 (hg19) VCF-style: chr10-95422843-GAGT-G.
Other names: short protein forms V810del.
Identifiers: ClinVar variation 3658545 (VCV003658545.2).

ClinVar aggregate classification (germline): Uncertain significance (1 of 4 stars; one submission).

Submission:

Labcorp Genetics (formerly Invitae), Labcorp
Classification: Uncertain significance. Last evaluated: 2024-07-02. Review status: criteria provided, single submitter. Criteria: Invitae Variant Classification Sherloc (09022015). Collection method: clinical testing. Allele origin: germline.
Comment: This variant, c.2429_2431del, results in the deletion of 1 amino acid(s) of the PDE6C protein (p.Val810del), but otherwise preserves the integrity of the reading frame. This variant is present in population databases (no rsID available, gnomAD 0.003%). This variant has not been reported in the literature in individuals affected with PDE6C-related conditions. Experimental studies and prediction algorithms are not available or were not evaluated, and the functional significance of this variant is currently unknown. In summary, the available evidence is currently insufficient to determine the role of this variant in disease. Therefore, it has been classified as a Variant of Uncertain Significance.